The following is an entry in ClinVar:

ClinVar aggregate classification (germline): Uncertain significance (1 of 4 stars; one submission).

Conditions:
Diffuse cerebral and cerebellar atrophy - intractable seizures - progressive microcephaly syndrome. Also called: Microcephaly, progressive, with seizures and cerebral and cerebellar atrophy. Identifiers: Orphanet 404437, MedGen C4014239, MONDO:0014335, OMIM 615760.

Allele frequency attached by ClinVar (database versions not stated): TOPMed below 0.00001; gnomAD 0.00001; gnomAD exomes 0.00001 and 0.00002.

Submission:

Labcorp Genetics (formerly Invitae), Labcorp
Classification: Uncertain significance for Diffuse cerebral and cerebellar atrophy - intractable seizures - progressive microcephaly syndrome. Last evaluated: 2024-12-02. Review status: criteria provided, single submitter. Criteria: Invitae Variant Classification Sherloc (09022015). Collection method: clinical testing. Allele origin: germline.
Comment: This sequence change replaces arginine, which is basic and polar, with glutamine, which is neutral and polar, at codon 764 of the QARS protein (p.Arg764Gln). This variant is present in population databases (no rsID available, gnomAD 0.006%). This variant has not been reported in the literature in individuals affected with QARS-related conditions. ClinVar contains an entry for this variant (Variation ID: 1057007). Invitae Evidence Modeling of protein sequence and biophysical properties (such as structural, functional, and spatial information, amino acid conservation, physicochemical variation, residue mobility, and thermodynamic stability) has been performed for this missense variant. However, the output from this modeling did not meet the statistical confidence thresholds required to predict the impact of this variant on QARS protein function. In summary, the available evidence is currently insufficient to determine the role of this variant in disease. Therefore, it has been classified as a Variant of Uncertain Significance.

NM_005051.3(QARS1):c.2291G>A (p.Arg764Gln)

Gene: QARS1 (glutaminyl-tRNA synthetase 1; minus strand). Cytogenetic location: 3p21.31.
Variant type: single nucleotide variant.
Coding change: c.2291G>A on transcript NM_005051.3 (MANE Select); coding-DNA position 2291, G replaced by A.
Protein change: p.Arg764Gln; replaces arginine 764 with glutamine.
Molecular consequence: missense variant. On other transcripts: non-coding transcript variant (1).
Genome position (GRCh38, 1-based): chr3:49,096,066, C>T on the plus strand (G>A on the coding strand, the complement: QARS1 is on the minus strand). VCF-style: chr3-49096066-C-T. GRCh37 (hg19) VCF-style: chr3-49133499-C-T.
Other names: c.2258G>A, p.Arg753Gln (NM_001272073.2); short protein forms R753Q, R764Q.
Identifiers: ClinVar variation 1057007 (VCV001057007.4), dbSNP rs1291965738, ClinGen allele CA352695091.
Genomic context (GRCh38, chr3:49,096,066, plus strand): 5'-GAGGTAGGTTCAGTGCTTCCAGCTCACACCTTTCCTGGGTCTTCCTTCAGTGTGACAGTT[C>T]GGTTAAAGACAAGCTGGAGGGCAGAGGGAAAAGGATGACCACCAACCCAGAACAAGGCCA-3'
Protein context (NP_005042.1, residues 754-774): DSHQGKLVFN[Arg764Gln]TVTLKEDPGK